The following is an entry in ClinVar:

NM_198578.4(LRRK2):c.843T>G (p.Asn281Lys)

Gene: LRRK2 (leucine rich repeat kinase 2; plus strand). Cytogenetic location: 12q12.
Variant type: single nucleotide variant.
Coding change: c.843T>G on transcript NM_198578.4 (MANE Select); coding-DNA position 843, T replaced by G.
Protein change: p.Asn281Lys; replaces asparagine 281 with lysine.
Molecular consequence: missense variant.
Genome position (GRCh38, 1-based): chr12:40,249,830, T>G. VCF-style: chr12-40249830-T-G. GRCh37 (hg19) VCF-style: chr12-40643632-T-G.
Other names: short protein forms N281K.
Identifiers: ClinVar variation 3229805 (VCV003229805.1), dbSNP rs1942173882, ClinGen allele CA384406761.

ClinVar aggregate classification (germline): Uncertain significance (1 of 4 stars; one submission).

Conditions:
Inborn genetic diseases. Identifiers: MedGen C0950123, MeSH D030342.

Allele frequency attached by ClinVar (database versions not stated): gnomAD 0.00001.
gnomAD v4.1: 3 of 1,613,504 alleles (0.00019%); highest among the groups gnomAD compares: Non-Finnish European, 0.00025%; no homozygotes.

Submission:

Ambry Genetics
Classification: Uncertain significance for Inborn genetic diseases. Last evaluated: 2023-11-14. Review status: criteria provided, single submitter. Criteria: Ambry Variant Classification Scheme 2023. Collection method: clinical testing. Allele origin: germline.
Comment: The p.N281K variant (also known as c.843T>G), located in coding exon 8 of the LRRK2 gene, results from a T to G substitution at nucleotide position 843. The asparagine at codon 281 is replaced by lysine, an amino acid with similar properties. This amino acid position is conserved. In addition, this alteration is predicted to be tolerated by in silico analysis. Since supporting evidence is limited at this time, the clinical significance of this alteration remains unclear.